The following is an entry in ClinVar:

ClinVar aggregate classification (germline): Uncertain significance (1 of 4 stars; one submission).

Submission:

Labcorp Genetics (formerly Invitae), Labcorp
Classification: Uncertain significance. Last evaluated: 2023-07-07. Review status: criteria provided, single submitter. Criteria: Invitae Variant Classification Sherloc (09022015). Collection method: clinical testing. Allele origin: germline.
Comment: This sequence change replaces aspartic acid, which is acidic and polar, with valine, which is neutral and non-polar, at codon 1057 of the KMT2A protein (p.Asp1057Val). This variant is not present in population databases (gnomAD no frequency). This variant has not been reported in the literature in individuals affected with KMT2A-related conditions. ClinVar contains an entry for this variant (Variation ID: 2097237). Advanced modeling of protein sequence and biophysical properties (such as structural, functional, and spatial information, amino acid conservation, physicochemical variation, residue mobility, and thermodynamic stability) has been performed at Invitae for this missense variant, however the output from this modeling did not meet the statistical confidence thresholds required to predict the impact of this variant on KMT2A protein function. In summary, the available evidence is currently insufficient to determine the role of this variant in disease. Therefore, it has been classified as a Variant of Uncertain Significance.

NM_001197104.2(KMT2A):c.3170A>T (p.Asp1057Val)

Gene: KMT2A (lysine methyltransferase 2A; plus strand). Cytogenetic location: 11q23.3.
Variant type: single nucleotide variant.
Coding change: c.3170A>T on transcript NM_001197104.2 (MANE Select); coding-DNA position 3170, A replaced by T.
Protein change: p.Asp1057Val; replaces aspartic acid 1057 with valine.
Molecular consequence: missense variant.
Genome position (GRCh38, 1-based): chr11:118,476,818, A>T. VCF-style: chr11-118476818-A-T. GRCh37 (hg19) VCF-style: chr11-118347533-A-T.
Other names: c.3269A>T, p.Asp1090Val (NM_001412597.1); c.3170A>T, p.Asp1057Val (NM_005933.4); short protein forms D1057V, D1090V.
Identifiers: ClinVar variation 2097237 (VCV002097237.4), dbSNP rs2496833256, ClinGen allele CA382823565.